The following is an entry in ClinVar:

NM_004168.4(SDHA):c.1401T>A (p.Cys467Ter)

Gene: SDHA (succinate dehydrogenase complex flavoprotein subunit A; plus strand). Cytogenetic location: 5p15.33.
Variant type: single nucleotide variant.
Coding change: c.1401T>A on transcript NM_004168.4 (MANE Select); coding-DNA position 1401, T replaced by A.
Protein change: p.Cys467Ter; replaces cysteine 467 with a stop codon.
Molecular consequence: nonsense.
Genome position (GRCh38, 1-based): chr5:236,568, T>A. VCF-style: chr5-236568-T-A. GRCh37 (hg19) VCF-style: chr5-236683-T-A.
Other names: c.1257T>A, p.Cys419Ter (NM_001294332.2); c.1401T>A, p.Cys467Ter (NM_001330758.2); short protein forms C419*, C467*.
Identifiers: ClinVar variation 4785582 (VCV004785582.1).

ClinVar aggregate classification (germline): Pathogenic (1 of 4 stars; one submission).

Conditions:
Mitochondrial complex II deficiency, nuclear type 1. Also called: SUCCINATE CoQ REDUCTASE DEFICIENCY. Identifiers: Orphanet 3208, MedGen C5700310, MONDO:0100294, OMIM 252011.
Pheochromocytoma/paraganglioma syndrome 5. Also called: Paragangliomas 5; SDHA-Related Hereditary Paraganglioma-Pheochromocytoma Syndrome. Identifiers: Orphanet 29072, MedGen C3279992, MONDO:0013602, OMIM 614165.

Submission:

Labcorp Genetics (formerly Invitae), Labcorp
Classification: Pathogenic for Pheochromocytoma/paraganglioma syndrome 5; Mitochondrial complex II deficiency, nuclear type 1. Last evaluated: 2025-07-15. Review status: criteria provided, single submitter. Criteria: Invitae Variant Classification Sherloc (09022015). Collection method: clinical testing. Allele origin: germline.
Comment: This sequence change creates a premature translational stop signal (p.Cys467*) in the SDHA gene. It is expected to result in an absent or disrupted protein product. Loss-of-function variants in SDHA are known to be pathogenic (PMID: 22974104, 24781757). This variant is not present in population databases (gnomAD no frequency). This variant has not been reported in the literature in individuals affected with SDHA-related conditions. For these reasons, this variant has been classified as Pathogenic.

Literature cited by the submitters: PubMed 22974104; PubMed 24781757.